The following is an entry in ClinVar:

NM_001482.3(GATM):c.727A>G (p.Lys243Glu)

Gene: GATM (glycine amidinotransferase; minus strand). Cytogenetic location: 15q21.1.
Variant type: single nucleotide variant.
Coding change: c.727A>G on transcript NM_001482.3 (MANE Select); coding-DNA position 727, A replaced by G.
Protein change: p.Lys243Glu; replaces lysine 243 with glutamic acid.
Molecular consequence: missense variant.
Genome position (GRCh38, 1-based): chr15:45,366,457, T>C on the plus strand (A>G on the coding strand, the complement: GATM is on the minus strand). VCF-style: chr15-45366457-T-C. GRCh37 (hg19) VCF-style: chr15-45658655-T-C.
Other names: c.340A>G, p.Lys114Glu (NM_001321015.2); short protein forms K114E, K243E.
Identifiers: ClinVar variation 3606779 (VCV003606779.2).
Genomic context (GRCh38, chr15:45,366,457, plus strand): 5'-TTCCAGCTCGAATGAAGTCAGCAGCATCAAAGCATGGCTCAAACTCAGTTGTCACAAATT[T>C]TCCCTGAGCAGCCAATTTGTGTCTGTCTTCTACAGAGTGGATGGGATAATCCTAATTGGA-3'
Protein context (NP_001473.1, residues 233-253): EDRHKLAAQG[Lys243Glu]FVTTEFEPCF

ClinVar aggregate classification (germline): Uncertain significance (1 of 4 stars; one submission).

Conditions:
Arginine:glycine amidinotransferase deficiency (CCDS3). Also called: Creatine deficiency syndrome due to AGAT deficiency; GATM deficiency; AGAT deficiency; L-Arginine:Glycine Amidinotransferase Deficiency; L-Arginine:Glycine Amidinotransferase (AGAT) Deficiency; Cerebral creatine deficiency syndrome 3. Identifiers: Orphanet 35704, MedGen C2675179, MONDO:0012996, OMIM 612718.

Submission:

Labcorp Genetics (formerly Invitae), Labcorp
Classification: Uncertain significance for Arginine:glycine amidinotransferase deficiency. Last evaluated: 2024-05-28. Review status: criteria provided, single submitter. Criteria: Invitae Variant Classification Sherloc (09022015). Collection method: clinical testing. Allele origin: germline.
Comment: This sequence change replaces lysine, which is basic and polar, with glutamic acid, which is acidic and polar, at codon 243 of the GATM protein (p.Lys243Glu). This variant is not present in population databases (gnomAD no frequency). This variant has not been reported in the literature in individuals affected with GATM-related conditions. Advanced modeling of protein sequence and biophysical properties (such as structural, functional, and spatial information, amino acid conservation, physicochemical variation, residue mobility, and thermodynamic stability) performed at Invitae indicates that this missense variant is not expected to disrupt GATM protein function with a negative predictive value of 80%. In summary, the available evidence is currently insufficient to determine the role of this variant in disease. Therefore, it has been classified as a Variant of Uncertain Significance.